The following is an entry in ClinVar:

NM_001367561.1(DOCK7):c.3290G>T (p.Cys1097Phe)

Gene: DOCK7 (dedicator of cytokinesis 7; minus strand). Cytogenetic location: 1p31.3.
Variant type: single nucleotide variant.
Coding change: c.3290G>T on transcript NM_001367561.1 (MANE Select); coding-DNA position 3290, G replaced by T.
Protein change: p.Cys1097Phe; replaces cysteine 1097 with phenylalanine.
Molecular consequence: missense variant.
Genome position (GRCh38, 1-based): chr1:62,539,555, C>A on the plus strand (G>T on the coding strand, the complement: DOCK7 is on the minus strand). VCF-style: chr1-62539555-C-A. GRCh37 (hg19) VCF-style: chr1-63005226-C-A.
Other names: c.3290G>T, p.Cys1097Phe (NM_001271999.2, NM_001330614.2); c.3197G>T, p.Cys1066Phe (NM_001272000.2, NM_001272001.2, NM_033407.4); short protein forms C1066F, C1097F.
Identifiers: ClinVar variation 1710848 (VCV001710848.2), dbSNP rs1480512837, ClinGen allele CA340608369.

ClinVar aggregate classification (germline): Uncertain significance (1 of 4 stars; one submission).

Allele frequency attached by ClinVar (database versions not stated): gnomAD exomes below 0.00001.
gnomAD v4.1: 1 of 1,608,898 alleles (0.000062%); highest among the groups gnomAD compares: Non-Finnish European, 0.000085%; no homozygotes.

Submission:

GeneDx
Classification: Uncertain significance. Last evaluated: 2022-04-14. Review status: criteria provided, single submitter. Criteria: GeneDx Variant Classification Process June 2021. Collection method: clinical testing. Allele origin: germline. Affected: yes.
Comment: Not observed at significant frequency in large population cohorts (gnomAD); In silico analysis supports that this missense variant does not alter protein structure/function; Has not been previously published as pathogenic or benign to our knowledge